The following is an entry in ClinVar:

NM_006280.3(SSR4):c.97C>T (p.Pro33Ser)

Gene: SSR4 (signal sequence receptor subunit 4; plus strand). Cytogenetic location: Xq28.
Variant type: single nucleotide variant.
Coding change: c.97C>T on transcript NM_006280.3 (MANE Select); coding-DNA position 97, C replaced by T.
Protein change: p.Pro33Ser; replaces proline 33 with serine.
Molecular consequence: missense variant.
Genome position (GRCh38, 1-based): chrX:153,796,463, C>T. VCF-style: chrX-153796463-C-T. GRCh37 (hg19) VCF-style: chrX-153061918-C-T.
Other names: c.130C>T, p.Pro44Ser (NM_001204526.2); c.121C>T, p.Pro41Ser (NM_001204527.2); short protein forms P33S, P41S, P44S.
Identifiers: ClinVar variation 2507290 (VCV002507290.1), dbSNP rs1483954195, ClinGen allele CA415186087.

ClinVar aggregate classification (germline): Uncertain significance (1 of 4 stars; one submission).

Submission:

GeneDx
Classification: Uncertain significance. Last evaluated: 2022-12-28. Review status: criteria provided, single submitter. Criteria: GeneDx Variant Classification Process June 2021. Collection method: clinical testing. Allele origin: germline. Affected: yes.
Comment: Not observed at significant frequency in large population cohorts (gnomAD); In silico analysis supports that this missense variant does not alter protein structure/function; Has not been previously published as pathogenic or benign to our knowledge